The following is an entry in ClinVar:

ClinVar aggregate classification (germline): Uncertain significance. Review status: criteria provided, multiple submitters, no conflicts (2 of 4 stars). 2 submissions from 2 submitters: Uncertain significance (2). Last evaluated 2025-08-07.

Allele frequency attached by ClinVar (database versions not stated): gnomAD 0.00001; TOPMed 0.00002; gnomAD exomes 0.00003.
gnomAD v4.1: 36 of 1,252,170 alleles (0.0029%); highest among the groups gnomAD compares: Admixed American, 0.0042%; no homozygotes.

Submissions (2):

Ambry Genetics
Classification: Uncertain significance. Last evaluated: 2025-08-07. Review status: criteria provided, single submitter. Criteria: Ambry Variant Classification Scheme 2023. Collection method: clinical testing. Allele origin: germline.

Labcorp Genetics (formerly Invitae), Labcorp
Classification: Uncertain significance. Last evaluated: 2022-06-22. Review status: criteria provided, single submitter. Criteria: Invitae Variant Classification Sherloc (09022015). Collection method: clinical testing. Allele origin: germline.
Comment: This sequence change replaces alanine, which is neutral and non-polar, with valine, which is neutral and non-polar, at codon 38 of the CTDP1 protein (p.Ala38Val). This variant is not present in population databases (gnomAD no frequency). This variant has not been reported in the literature in individuals affected with CTDP1-related conditions. Algorithms developed to predict the effect of missense changes on protein structure and function (SIFT, PolyPhen-2, Align-GVGD) all suggest that this variant is likely to be tolerated. In summary, the available evidence is currently insufficient to determine the role of this variant in disease. Therefore, it has been classified as a Variant of Uncertain Significance.

NM_004715.5(CTDP1):c.113C>T (p.Ala38Val)

Gene: CTDP1 (CTD phosphatase subunit 1; plus strand). Cytogenetic location: 18q23.
Variant type: single nucleotide variant.
Coding change: c.113C>T on transcript NM_004715.5 (MANE Select); coding-DNA position 113, C replaced by T.
Protein change: p.Ala38Val; replaces alanine 38 with valine.
Molecular consequence: missense variant.
Genome position (GRCh38, 1-based): chr18:79,680,060, C>T. VCF-style: chr18-79680060-C-T. GRCh37 (hg19) VCF-style: chr18-77440060-C-T.
Other names: c.113C>T, p.Ala38Val (NM_001318511.2, NM_048368.4); short protein forms A38V.
Identifiers: ClinVar variation 2316992 (VCV002316992.6), dbSNP rs1292042896, ClinGen allele CA402824985.
Genomic context (GRCh38, chr18:79,680,060, plus strand): 5'-CTGTGGCCGAGGTGCGCTGCCCGGGGCCCGCGCCGCTGCGCCTGCTGGAGTGGAGGGTGG[C>T]GGCGGGCGCGGCCGTGCGCATCGGCTCGGTGCTGGCCGTGTTCGAGGCCGCCGCCTCCGC-3'
Protein context (NP_004706.3, residues 28-48): APLRLLEWRV[Ala38Val]AGAAVRIGSV